The following is an entry in ClinVar:

ClinVar aggregate classification (germline): Uncertain significance (1 of 4 stars; one submission).

Conditions:
Danon disease. Also called: ANTOPOL DISEASE; Glycogen Storage Disease Type IIb; PSEUDOGLYCOGENOSIS II; GSD IIb; LYSOSOMAL GLYCOGEN STORAGE DISEASE WITHOUT ACID MALTASE DEFICIENCY. Identifiers: Orphanet 34587, MedGen C0878677, MONDO:0010281, OMIM 300257.

gnomAD v4.1: 7 of 1,210,582 alleles (0.00058%); highest among the groups gnomAD compares: South Asian, 0.0088%; no homozygotes.

Submission:

Labcorp Genetics (formerly Invitae), Labcorp
Classification: Uncertain significance for Danon disease. Last evaluated: 2023-06-15. Review status: criteria provided, single submitter. Criteria: Invitae Variant Classification Sherloc (09022015). Collection method: clinical testing. Allele origin: germline.
Comment: In summary, the available evidence is currently insufficient to determine the role of this variant in disease. Therefore, it has been classified as a Variant of Uncertain Significance. Advanced modeling of protein sequence and biophysical properties (such as structural, functional, and spatial information, amino acid conservation, physicochemical variation, residue mobility, and thermodynamic stability) has been performed at Invitae for this missense variant, however the output from this modeling did not meet the statistical confidence thresholds required to predict the impact of this variant on LAMP2 protein function. This variant has not been reported in the literature in individuals affected with LAMP2-related conditions. This variant is present in population databases (rs138991195, gnomAD 0.01%), including at least one homozygous and/or hemizygous individual. This sequence change replaces threonine, which is neutral and polar, with alanine, which is neutral and non-polar, at codon 196 of the LAMP2 protein (p.Thr196Ala).

NM_002294.3(LAMP2):c.586A>G (p.Thr196Ala)

Gene: LAMP2 (lysosome associated membrane protein 2; minus strand). Cytogenetic location: Xq24.
Variant type: single nucleotide variant.
Coding change: c.586A>G on transcript NM_002294.3 (MANE Select); coding-DNA position 586, A replaced by G.
Protein change: p.Thr196Ala; replaces threonine 196 with alanine.
Molecular consequence: missense variant.
Genome position (GRCh38, 1-based): chrX:120,447,996, T>C on the plus strand (A>G on the coding strand, the complement: LAMP2 is on the minus strand). VCF-style: chrX-120447996-T-C. GRCh37 (hg19) VCF-style: chrX-119581851-T-C.
Other names: c.586A>G, p.Thr196Ala (NM_001122606.1, NM_013995.2); short protein forms T196A.
Identifiers: ClinVar variation 2962953 (VCV002962953.3), dbSNP rs138991195, ClinGen allele CA10505279.